The following is an entry in ClinVar:

NM_015046.7(SETX):c.3587A>G (p.Asn1196Ser)

Gene: SETX (senataxin; minus strand). Cytogenetic location: 9q34.13.
Variant type: single nucleotide variant.
Coding change: c.3587A>G on transcript NM_015046.7 (MANE Select); coding-DNA position 3587, A replaced by G.
Protein change: p.Asn1196Ser; replaces asparagine 1196 with serine.
Molecular consequence: missense variant.
Genome position (GRCh38, 1-based): chr9:132,328,011, T>C on the plus strand (A>G on the coding strand, the complement: SETX is on the minus strand). VCF-style: chr9-132328011-T-C. GRCh37 (hg19) VCF-style: chr9-135203398-T-C.
Other names: c.3587A>G, p.Asn1196Ser (NM_001351527.2, NM_001351528.2); short protein forms N1196S.
Identifiers: ClinVar variation 805412 (VCV000805412.15), dbSNP rs376381668, ClinGen allele CA5297368.
Genomic context (GRCh38, chr9:132,328,011, plus strand): 5'-GTGGCTCTCTGAATACGTGAATTGGGAGTTGAAGTCCTTCTATCAATACTTTTAAAATCA[T>C]TTCCCACAAGATCTCTCTTATTAGTATCAGACTGGCCCTCATTTCTGACAGAAGATGAAG-3'
Protein context (NP_055861.3, residues 1186-1206): SDTNKRDLVG[Asn1196Ser]DFKSIDRRTS

ClinVar aggregate classification (germline): Conflicting classifications of pathogenicity. Review status: criteria provided, conflicting classifications (1 of 4 stars). 5 submissions from 5 submitters: Uncertain significance (4); Benign (1). Last evaluated 2026-09-17.

Conditions:
SETX-related disorder. Also called: SETX-related condition; SETX-related disorders. Identifiers: MedGen CN239403.
Spinocerebellar ataxia, autosomal recessive, with axonal neuropathy 2 (SCAN2). Also called: ATAXIA-OCULOMOTOR APRAXIA 2; Ataxia with Oculomotor Apraxia Type 2; Ataxia-ocular apraxia-2; Ataxia with Oculomotor Apraxia. Identifiers: Orphanet 64753, MedGen C1853761, MONDO:0018996, OMIM 606002.
Amyotrophic lateral sclerosis type 4 (ALS4). Also called: AMYOTROPHIC LATERAL SCLEROSIS 4, JUVENILE; NEURONOPATHY, DISTAL HEREDITARY MOTOR, WITH PYRAMIDAL FEATURES. Identifiers: Orphanet 357043, MedGen C1865409, MONDO:0011223, OMIM 602433.

Allele frequency attached by ClinVar (database versions not stated): ExAC 0.00002; gnomAD exomes 0.00002; gnomAD 0.00004; TOPMed 0.00004; ESP Exome Variant Server 0.00008.
gnomAD v4.1: 35 of 1,613,848 alleles (0.0022%); highest among the groups gnomAD compares: Non-Finnish European, 0.0027%; no homozygotes.

Submissions (5):

PreventionGenetics, part of Exact Sciences
Classification: Uncertain significance for SETX-related condition. Last evaluated: 2026-09-17. Review status: criteria provided, single submitter. Criteria: ACMG Guidelines, 2015. Collection method: clinical testing. Allele origin: germline.
Comment: The SETX c.3587A>G variant is predicted to result in the amino acid substitution p.Asn1196Ser. To our knowledge, this variant has not been reported in the literature. This variant is reported in 0.0054% of alleles in individuals of European (non-Finnish) descent in gnomAD. At this time, the clinical significance of this variant is uncertain due to the absence of conclusive functional and genetic evidence.

Labcorp Genetics (formerly Invitae), Labcorp
Classification: Benign for Amyotrophic lateral sclerosis type 4; Spinocerebellar ataxia, autosomal recessive, with axonal neuropathy 2. Last evaluated: 2025-10-02. Review status: criteria provided, single submitter. Criteria: Invitae Variant Classification Sherloc (09022015). Collection method: clinical testing. Allele origin: germline.

Women's Health and Genetics/Laboratory Corporation of America, LabCorp
Classification: Uncertain significance. Last evaluated: 2025-01-06. Review status: criteria provided, single submitter. Criteria: LabCorp Variant Classification Summary - May 2015. Collection method: clinical testing. Allele origin: germline.
Comment: Variant summary: SETX c.3587A>G (p.Asn1196Ser) results in a conservative amino acid change in the encoded protein sequence. Five of five in-silico tools predict a benign effect of the variant on protein function. The variant allele was found at a frequency of 2e-05 in 251000 control chromosomes. The available data on variant occurrences in the general population are insufficient to allow any conclusion about variant significance. To our knowledge, no occurrence of c.3587A>G in individuals affected with Spinocerebellar ataxia, autosomal recessive, with axonal neuropathy 2 and no experimental evidence demonstrating its impact on protein function have been reported. ClinVar contains an entry for this variant (Variation ID: 805412). Based on the evidence outlined above, the variant was classified as uncertain significance.

GeneDx
Classification: Uncertain significance. Last evaluated: 2024-10-28. Review status: criteria provided, single submitter. Criteria: GeneDx Variant Classification Process June 2021. Collection method: clinical testing. Allele origin: germline. Affected: yes.
Comment: In silico analysis indicates that this missense variant does not alter protein structure/function; Has not been previously published as pathogenic or benign to our knowledge

Athena Diagnostics
Classification: Uncertain significance. Last evaluated: 2018-12-27. Review status: criteria provided, single submitter. Criteria: Athena Diagnostics Criteria. Collection method: clinical testing. Allele origin: germline.